The following is an entry in ClinVar:

NM_032638.5(GATA2):c.23C>A (p.Pro8Gln)

Gene: GATA2 (GATA binding protein 2; minus strand). Cytogenetic location: 3q21.3.
Variant type: single nucleotide variant.
Coding change: c.23C>A on transcript NM_032638.5 (MANE Select); coding-DNA position 23, C replaced by A.
Protein change: p.Pro8Gln; replaces proline 8 with glutamine.
Molecular consequence: missense variant.
Genome position (GRCh38, 1-based): chr3:128,487,009, G>T on the plus strand (C>A on the coding strand, the complement: GATA2 is on the minus strand). VCF-style: chr3-128487009-G-T. GRCh37 (hg19) VCF-style: chr3-128205852-G-T.
Other names: c.23C>A, p.Pro8Gln (NM_001145661.2, NM_001145662.1); c.23C>A (NM_001145661.1); short protein forms P8Q.
Identifiers: ClinVar variation 472453 (VCV000472453.15), dbSNP rs771557922, ClinGen allele CA2600123.

ClinVar aggregate classification (germline): Uncertain significance. Review status: criteria provided, multiple submitters, no conflicts (2 of 4 stars). 5 submissions from 5 submitters: Uncertain significance (4). 1 of the submissions does not count toward it. Last evaluated 2025-09-24.

Conditions:
GATA2-related disorder. Also called: GATA2-Related Disorders; GATA2-related condition.
Deafness-lymphedema-leukemia syndrome. Also called: Emberger syndrome; Lymphedema, primary, with myelodysplasia. Identifiers: Orphanet 3226, MedGen C3279664, MONDO:0013540, OMIM 614038.
Monocytopenia with susceptibility to infections. Also called: IMMUNODEFICIENCY 21; GATA2 DEFICIENCY; MONOCYTOPENIA AND MYCOBACTERIAL INFECTION SYNDROME; MONOCYTOPENIA WITH SUSCEPTIBILITY TO MYCOBACTERIAL, FUNGAL, AND PAPILLOMAVIRUS INFECTIONS AND MYELODYSPLASIA; COMBINED IMMUNODEFICIENCY WITH SUSCEPTIBILITY TO MYCOBACTERIAL, VIRAL, AND FUNGAL INFECTIONS; Dendritic cell, monocyte, B lymphocyte, and natural killer lymphocyte deficiency. Identifiers: Orphanet 228423, MedGen C3280030, MONDO:0013607, OMIM 614172.
Inborn genetic diseases. Identifiers: MedGen C0950123, MeSH D030342.
Acute myeloid leukemia (AML). Also called: Leukemia, acute myeloid, somatic; Leukemia, acute myelogenous, somatic; Acute myeloid leukemia, adult; AML adult; Acute non-lymphocytic leukemia; Acute granulocytic leukemia. Identifiers: Orphanet 519, MedGen C0023467, MeSH D015470, MONDO:0018874, OMIM 601626, HP:0004808. Disease mechanism: Constitutively activated FLT3.

Allele frequency attached by ClinVar (database versions not stated): ExAC below 0.00001.

Submissions (5):

Ambry Genetics
Classification: Uncertain significance for Inborn genetic diseases. Last evaluated: 2025-09-24. Review status: criteria provided, single submitter. Criteria: Ambry Variant Classification Scheme 2023. Collection method: clinical testing. Allele origin: germline.
Comment: The p.P8Q variant (also known as c.23C>A), located in coding exon 1 of the GATA2 gene, results from a C to A substitution at nucleotide position 23. The proline at codon 8 is replaced by glutamine, an amino acid with similar properties. This amino acid position is well conserved in available vertebrate species. In addition, this alteration is predicted to be deleterious by in silico analysis. Based on the available evidence, the clinical significance of this variant remains unclear.

Blueprint Genetics
Classification: Uncertain significance. Last evaluated: 2024-09-03. Review status: criteria provided, single submitter. Criteria: ACMG Guidelines, 2015. Collection method: clinical testing. Allele origin: germline.

Baylor Genetics
Classification: Uncertain significance for Acute myeloid leukemia. Last evaluated: 2024-02-16. Review status: criteria provided, single submitter. Criteria: ACMG Guidelines, 2015. Collection method: clinical testing. Allele origin: unknown.

Labcorp Genetics (formerly Invitae), Labcorp
Classification: Uncertain significance for Monocytopenia with susceptibility to infections; Deafness-lymphedema-leukemia syndrome. Last evaluated: 2023-08-30. Review status: criteria provided, single submitter. Criteria: Invitae Variant Classification Sherloc (09022015). Collection method: clinical testing. Allele origin: germline.
Comment: This sequence change replaces proline, which is neutral and non-polar, with glutamine, which is neutral and polar, at codon 8 of the GATA2 protein (p.Pro8Gln). In summary, the available evidence is currently insufficient to determine the role of this variant in disease. Therefore, it has been classified as a Variant of Uncertain Significance. Advanced modeling of protein sequence and biophysical properties (such as structural, functional, and spatial information, amino acid conservation, physicochemical variation, residue mobility, and thermodynamic stability) has been performed at Invitae for this missense variant, however the output from this modeling did not meet the statistical confidence thresholds required to predict the impact of this variant on GATA2 protein function. ClinVar contains an entry for this variant (Variation ID: 472453). This variant has not been reported in the literature in individuals affected with GATA2-related conditions. The frequency data for this variant in the population databases is considered unreliable, as metrics indicate poor data quality at this position in the gnomAD database.

PreventionGenetics, part of Exact Sciences
Classification: Uncertain significance for GATA2-related condition. Last evaluated: 2024-05-08. Review status: no assertion criteria provided. Collection method: clinical testing. Allele origin: germline. Not counted in ClinVar's aggregate classification.
Comment: The GATA2 c.23C>A variant is predicted to result in the amino acid substitution p.Pro8Gln. To our knowledge, this variant has not been reported in the literature. This variant is reported in 0.0011% of alleles in individuals of European (Non-Finnish) descent in gnomAD. At this time, the clinical significance of this variant is uncertain due to the absence of conclusive functional and genetic evidence.